The following is an entry in ClinVar:

ClinVar aggregate classification (germline): Uncertain significance (1 of 4 stars; one submission).

Conditions:
Nephronophthisis. Also called: Juvenile Nephronophthisis. Identifiers: Orphanet 655, MedGen C0687120, MONDO:0019005, HP:0000090.

Allele frequency attached by ClinVar (database versions not stated): TOPMed below 0.00001.

Submission:

Labcorp Genetics (formerly Invitae), Labcorp
Classification: Uncertain significance for Nephronophthisis. Last evaluated: 2025-03-17. Review status: criteria provided, single submitter. Criteria: Invitae Variant Classification Sherloc (09022015). Collection method: clinical testing. Allele origin: germline.
Comment: This sequence change replaces glutamic acid, which is acidic and polar, with glutamine, which is neutral and polar, at codon 163 of the INVS protein (p.Glu163Gln). This variant is not present in population databases (gnomAD no frequency). This variant has not been reported in the literature in individuals affected with INVS-related conditions. ClinVar contains an entry for this variant (Variation ID: 957350). An algorithm developed to predict the effect of missense changes on protein structure and function (PolyPhen-2) suggests that this variant is likely to be disruptive. In summary, the available evidence is currently insufficient to determine the role of this variant in disease. Therefore, it has been classified as a Variant of Uncertain Significance.

NM_014425.5(INVS):c.487G>C (p.Glu163Gln)

Gene: INVS (inversin; plus strand). Cytogenetic location: 9q31.1.
Variant type: single nucleotide variant.
Coding change: c.487G>C on transcript NM_014425.5 (MANE Select); coding-DNA position 487, G replaced by C.
Protein change: p.Glu163Gln; replaces glutamic acid 163 with glutamine.
Molecular consequence: missense variant. On other transcripts: 5 prime UTR variant (1), non-coding transcript variant (1).
Genome position (GRCh38, 1-based): chr9:100,229,699, G>C. VCF-style: chr9-100229699-G-C. GRCh37 (hg19) VCF-style: chr9-102991981-G-C.
Other names: c.199G>C, p.Glu67Gln (NM_001318381.2); c.-503G>C (NM_001318382.2); short protein forms E67Q, E163Q.
Identifiers: ClinVar variation 957350 (VCV000957350.9), dbSNP rs1831445837, ClinGen allele CA374360427.
Genomic context (GRCh38, chr9:100,229,699, plus strand): 5'-GAGAACCTCTCGATTTTGCAGCAAACAGCTCTGCATTGGAGTGCCTACTACAATAACCCT[G>C]AGCATGTGAAGCTGCTCATCAAGCATGATTCTAACATTGGGATTCCTGATGTTGAAGGCA-3'
Protein context (NP_055240.2, residues 153-173): LHWSAYYNNP[Glu163Gln]HVKLLIKHDS